The following is an entry in ClinVar:

ClinVar aggregate classification (germline): Uncertain significance. Review status: criteria provided, multiple submitters, no conflicts (2 of 4 stars). 3 submissions from 3 submitters: Uncertain significance (3). Last evaluated 2025-11-25.

Conditions:
Hereditary cancer-predisposing syndrome. Also called: Neoplastic Syndromes, Hereditary; Tumor predisposition; Hereditary Cancer Syndrome; Hereditary neoplastic syndrome. Identifiers: Orphanet 140162, MedGen C0027672, MeSH D009386, MONDO:0015356.

Allele frequency attached by ClinVar (database versions not stated): gnomAD exomes below 0.00001.
gnomAD v4.1: 2 of 1,614,188 alleles (0.00012%); highest among the groups gnomAD compares: Non-Finnish European, 0.00017%; no homozygotes.

Submissions (3):

Ambry Genetics
Classification: Uncertain significance for Hereditary cancer-predisposing syndrome. Last evaluated: 2025-11-25. Review status: criteria provided, single submitter. Criteria: Ambry Variant Classification Scheme 2023. Collection method: clinical testing. Allele origin: germline.
Comment: The p.R872G variant (also known as c.2614A>G), located in coding exon 17 of the CTNNA1 gene, results from an A to G substitution at nucleotide position 2614. The arginine at codon 872 is replaced by glycine, an amino acid with dissimilar properties. In one study, this alteration was identified in 2/151,425 individuals who underwent multi-gene germline genetic testing and classified as a variant of uncertain significance by the authors (Clark DF et al. Genet Med, 2020 05;22:840-846). This amino acid position is highly conserved in available vertebrate species. In addition, this alteration is predicted to be tolerated by in silico analysis. Based on the available evidence, the clinical significance of this variant remains unclear.

Labcorp Genetics (formerly Invitae), Labcorp
Classification: Uncertain significance. Last evaluated: 2025-09-19. Review status: criteria provided, single submitter. Criteria: Invitae Variant Classification Sherloc (09022015). Collection method: clinical testing. Allele origin: germline.
Comment: This sequence change replaces arginine, which is basic and polar, with glycine, which is neutral and non-polar, at codon 872 of the CTNNA1 protein (p.Arg872Gly). This variant is not present in population databases (gnomAD no frequency). This missense change has been observed in individual(s) with renal cell carcinoma (PMID: 38127826). ClinVar contains an entry for this variant (Variation ID: 651457). Invitae Evidence Modeling of protein sequence and biophysical properties (such as structural, functional, and spatial information, amino acid conservation, physicochemical variation, residue mobility, and thermodynamic stability) has been performed for this missense variant. However, the output from this modeling did not meet the statistical confidence thresholds required to predict the impact of this variant on CTNNA1 protein function. In summary, the available evidence is currently insufficient to determine the role of this variant in disease. Therefore, it has been classified as a Variant of Uncertain Significance.

GeneDx
Classification: Uncertain significance. Last evaluated: 2023-10-17. Review status: criteria provided, single submitter. Criteria: GeneDx Variant Classification Process June 2021. Collection method: clinical testing. Allele origin: germline. Affected: yes.
Comment: Not observed at significant frequency in large population cohorts (gnomAD); In silico analysis supports that this missense variant has a deleterious effect on protein structure/function; Identified in individuals referred for hereditary cancer testing (PMID: 32051609); This variant is associated with the following publications: (PMID: 32051609)

Literature cited by the submitters: PubMed 32051609 (cited by Ambry Genetics); PubMed 38127826 (cited by Labcorp Genetics (formerly Invitae), Labcorp).

NM_001903.5(CTNNA1):c.2614A>G (p.Arg872Gly)

Gene: CTNNA1 (catenin alpha 1; plus strand). Cytogenetic location: 5q31.2.
Variant type: single nucleotide variant.
Coding change: c.2614A>G on transcript NM_001903.5 (MANE Select); coding-DNA position 2614, A replaced by G.
Protein change: p.Arg872Gly; replaces arginine 872 with glycine.
Molecular consequence: missense variant. On other transcripts: 3 prime UTR variant (5).
Genome position (GRCh38, 1-based): chr5:138,933,982, A>G. VCF-style: chr5-138933982-A-G. GRCh37 (hg19) VCF-style: chr5-138269671-A-G.
Other names: c.*159A>G (NM_001290307.3, NM_001324002.1, NM_001324003.1 and 2 more transcripts); c.2305A>G, p.Arg769Gly (NM_001290309.3); c.2245A>G, p.Arg749Gly (NM_001290310.3); c.1504A>G, p.Arg502Gly (NM_001290312.1, NM_001323987.1, NM_001323988.1 and 12 more transcripts); c.2614A>G, p.Arg872Gly (NM_001323982.2, NM_001323983.1, NM_001323984.2); c.2587A>G, p.Arg863Gly (NM_001323985.2); c.2521A>G, p.Arg841Gly (NM_001323986.2); c.1369A>G, p.Arg457Gly (NM_001324001.1); and 3 more; short protein forms R769G, R457G, R389G, R502G, R749G, R841G, R421G, R471G.
Identifiers: ClinVar variation 651457 (VCV000651457.15), dbSNP rs1580946063, ClinGen allele CA361135604.